The following is an entry in ClinVar:

ClinVar aggregate classification (germline): Pathogenic (1 of 4 stars; one submission).

Conditions:
Myopathy, proximal, and ophthalmoplegia (CMYO6). Also called: MYOPATHY WITH CONGENITAL JOINT CONTRACTURES, OPHTHALMOPLEGIA, AND RIMMED VACUOLES; INCLUSION BODY MYOPATHY 3, AUTOSOMAL DOMINANT; CONGENITAL MYOPATHY 6 WITH OPHTHALMOPLEGIA. Identifiers: Orphanet 363677, Orphanet 79091, MedGen C1854106, MONDO:0011577, OMIM 605637.

Submission:

Labcorp Genetics (formerly Invitae), Labcorp
Classification: Pathogenic for Myopathy, proximal, and ophthalmoplegia. Last evaluated: 2025-02-06. Review status: criteria provided, single submitter. Criteria: Invitae Variant Classification Sherloc (09022015). Collection method: clinical testing. Allele origin: germline.
Comment: This sequence change creates a premature translational stop signal (p.Leu1504Argfs*32) in the MYH2 gene. It is expected to result in an absent or disrupted protein product. Loss-of-function variants in MYH2 are known to be pathogenic (PMID: 20418530, 23388406, 24193343). This variant is not present in population databases (gnomAD no frequency). This variant has not been reported in the literature in individuals affected with MYH2-related conditions. ClinVar contains an entry for this variant (Variation ID: 1068578). For these reasons, this variant has been classified as Pathogenic.

Literature cited by the submitters: PubMed 20418530; PubMed 23388406; PubMed 24193343.

NM_017534.6(MYH2):c.4511del (p.Leu1504fs)

Genes: MYHAS (myosin heavy chain gene cluster antisense RNA; plus strand), MYH2 (myosin heavy chain 2; minus strand), LOC126862500 (BRD4-independent group 4 enhancer GRCh37_chr17:10427829-10429028; plus strand). Cytogenetic location: 17p13.1.
Variant type: Deletion.
Coding change: c.4511del on transcript NM_017534.6 (MANE Select); coding-DNA position 4511, one base deleted (T; older notation c.4511delT).
Protein change: p.Leu1504fs; shifts the reading frame from leucine 1504.
Molecular consequence: frameshift variant.
Genome position (GRCh38, 1-based): chr17:10,525,477, A deleted on the plus strand (T on the coding strand, the reverse complement: MYH2 is on the minus strand). VCF-style (leftmost placement, unchanged base first): chr17-10525476-CA-C. GRCh37 (hg19) VCF-style: chr17-10428793-CA-C.
Other names: c.4511del, p.Leu1504fs (NM_001100112.2); short protein forms L1504fs.
Identifiers: ClinVar variation 1068578 (VCV001068578.5), dbSNP rs2142293598, ClinGen allele CA2499223895.
Genomic context (GRCh38, chr17:10,525,476, plus strand): 5'-AGTTATGAATATTATTGAATATGATAGGGACTTACGCTGTAAGTTTTTGTTCTCTCGCTT[CA>C]GGGTTTCTAGCTGATCCAAAGATTCCTCATAGGCATTCTTTATCTTGAACAGCTCAGTGC-3'